The following is an entry in ClinVar:

ClinVar aggregate classification (germline): Uncertain significance (1 of 4 stars; one submission).

Conditions:
ADIPOQ-related disorder. Also called: ADIPOQ-related condition.

Submission:

PreventionGenetics, part of Exact Sciences
Classification: Uncertain significance for ADIPOQ-related condition. Last evaluated: 2026-06-28. Review status: criteria provided, single submitter. Criteria: ACMG Guidelines, 2015. Collection method: clinical testing. Allele origin: germline.
Comment: The ADIPOQ c.500A>G variant is predicted to result in the amino acid substitution p.Tyr167Cys. To our knowledge, this variant has not been reported in the literature. This variant is reported in 0.0070% of alleles in individuals of European (Non-Finnish) descent in gnomAD. At this time, the clinical significance of this variant is uncertain due to the absence of conclusive functional and genetic evidence.

NM_004797.4(ADIPOQ):c.500A>G (p.Tyr167Cys)

Genes: ADIPOQ (adiponectin, C1Q and collagen domain containing; plus strand), ADIPOQ-AS1 (ADIPOQ antisense RNA 1; minus strand). Cytogenetic location: 3q27.3.
Variant type: single nucleotide variant.
Coding change: c.500A>G on transcript NM_004797.4 (MANE Select); coding-DNA position 500, A replaced by G.
Protein change: p.Tyr167Cys; replaces tyrosine 167 with cysteine.
Molecular consequence: missense variant. On other transcripts: non-coding transcript variant (1).
Genome position (GRCh38, 1-based): chr3:186,854,469, A>G. VCF-style: chr3-186854469-A-G. GRCh37 (hg19) VCF-style: chr3-186572258-A-G.
Other names: c.500A>G, p.Tyr167Cys (NM_001177800.2); short protein forms Y167C.
Identifiers: ClinVar variation 4981051 (VCV004981051.1).